The following is an entry in ClinVar:

NM_016103.4(SAR1B):c.80_81del (p.Lys27fs)

Gene: SAR1B (secretion associated Ras related GTPase 1B; minus strand). Cytogenetic location: 5q31.1.
Variant type: Deletion.
Coding change: c.80_81del on transcript NM_016103.4 (MANE Select); coding-DNA positions 80 to 81, 2 bases deleted (AA; older notation c.80_81delAA).
Protein change: p.Lys27fs; shifts the reading frame from lysine 27.
Molecular consequence: frameshift variant.
Genome position (GRCh38, 1-based): chr5:134,621,030-134,621,031, TT deleted on the plus strand (AA on the coding strand, the reverse complement: SAR1B is on the minus strand); deleting any 2 consecutive bases within chr5:134,621,030-134,621,032 gives the same sequence; the c. name uses the placement nearest the transcript's 3' end. VCF-style (leftmost placement, unchanged base first): chr5-134621029-GTT-G. GRCh37 (hg19) VCF-style: chr5-133956719-GTT-G.
Other names: c.80_81del, p.Lys27fs (NM_001033503.3); short protein forms K27fs.
Identifiers: ClinVar variation 1879631 (VCV001879631.29), dbSNP rs2484143490, ClinGen allele CA2580072743.

ClinVar aggregate classification (germline): Pathogenic (1 of 4 stars; one submission).

Submission:

CeGaT Center for Human Genetics Tuebingen
Classification: Pathogenic. Last evaluated: 2022-11-01. Review status: criteria provided, single submitter. Criteria: CeGaT Center For Human Genetics Tuebingen Variant Classification Criteria Version 2. Collection method: clinical testing. Allele origin: germline. Affected: yes. Observed: 1 variant allele.
Comment: SAR1B: PVS1, PM2, PM3:Supporting